The following is an entry in ClinVar:

NM_001267550.2(TTN):c.36091A>T (p.Lys12031Ter)

Gene: TTN (titin; minus strand). Cytogenetic location: 2q31.2.
Variant type: single nucleotide variant.
Coding change: c.36091A>T on transcript NM_001267550.2 (MANE Select); coding-DNA position 36091, A replaced by T.
Protein change: p.Lys12031Ter; replaces lysine 12031 with a stop codon.
Molecular consequence: nonsense. On other transcripts: intron variant (5).
Genome position (GRCh38, 1-based): chr2:178,664,879, T>A on the plus strand (A>T on the coding strand, the complement: TTN is on the minus strand). VCF-style: chr2-178664879-T-A. GRCh37 (hg19) VCF-style: chr2-179529606-T-A.
Other names: c.13283-22562A>T (NM_003319.4); c.13859-22562A>T (NM_133437.4); c.13658-22562A>T (NM_133432.3); c.31484-1824A>T (NM_133378.4); c.34265-1824A>T (NM_001256850.1); short protein forms K12031*.
Identifiers: ClinVar variation 3753086 (VCV003753086.2).

ClinVar aggregate classification (germline): Likely pathogenic (1 of 4 stars; one submission).

Conditions:
Autosomal recessive limb-girdle muscular dystrophy type 2J (LGMDR10). Also called: Limb-girdle muscular dystrophy, type 2J; MUSCULAR DYSTROPHY, LIMB-GIRDLE, AUTOSOMAL RECESSIVE 10. Identifiers: Orphanet 140922, MedGen C1837342, MONDO:0012127, OMIM 608807.
Dilated cardiomyopathy 1G (CMD1G). Identifiers: Orphanet 154, MedGen C1858763, MONDO:0011400, OMIM 604145.

Submission:

Labcorp Genetics (formerly Invitae), Labcorp
Classification: Likely pathogenic for Dilated cardiomyopathy 1G; Autosomal recessive limb-girdle muscular dystrophy type 2J. Last evaluated: 2025-12-14. Review status: criteria provided, single submitter. Criteria: Invitae Variant Classification Sherloc (09022015). Collection method: clinical testing. Allele origin: germline.
Comment: This sequence change creates a premature translational stop signal (p.Lys12031*) in the TTN gene. While this is not anticipated to result in nonsense mediated decay, it is expected to create a truncated TTN protein. This variant is not present in population databases (gnomAD no frequency). This variant has not been reported in the literature in individuals affected with TTN-related conditions. ClinVar contains an entry for this variant (Variation ID: 3753086). This variant is located in the I band of TTN (PMID: 25589632). Truncating variants in this region have been reported in individuals affected with autosomal recessive centronuclear myopathy (PMID: 23975875, internal data). Truncating variants in this region have also been identified in individuals affected with autosomal dominant dilated cardiomyopathy and/or cardio-related conditions (PMID: 27869827, 32964742, internal data). In summary, the currently available evidence indicates that the variant is pathogenic, but additional data are needed to prove that conclusively. Therefore, this variant has been classified as Likely Pathogenic.

Literature cited by the submitters: PubMed 25589632; PubMed 23975875; PubMed 27869827; PubMed 32964742.